The following is an entry in ClinVar:

NM_004519.4(KCNQ3):c.1885-264A>G

Gene: KCNQ3 (potassium voltage-gated channel subfamily Q member 3; minus strand). Cytogenetic location: 8q24.22.
Variant type: single nucleotide variant.
Coding change: c.1885-264A>G on transcript NM_004519.4 (MANE Select); 264 bases into the intron before coding-DNA position 1885, A replaced by G.
Molecular consequence: intron variant.
Genome position (GRCh38, 1-based): chr8:132,130,260, T>C on the plus strand (A>G on the coding strand, the complement: KCNQ3 is on the minus strand). VCF-style: chr8-132130260-T-C. GRCh37 (hg19) VCF-style: chr8-133142507-T-C.
Other names: c.1525-264A>G (NM_001204824.2).
Identifiers: ClinVar variation 671735 (VCV000671735.1), dbSNP rs112894691, ClinGen allele CA185430285.

ClinVar aggregate classification (germline): Likely benign (1 of 4 stars; one submission).

Allele frequency attached by ClinVar (database versions not stated): gnomAD 0.02079 and 0.02203; 1000 Genomes Project 30x 0.02311; 1000 Genomes Project 0.02356; TOPMed 0.02468.
gnomAD v4.1: 3,183 of 152,150 alleles (2.1%); highest among the groups gnomAD compares: African/African-American, 5.1%; 60 homozygotes.

Submission:

GeneDx
Classification: Likely benign. Last evaluated: 2018-06-19. Review status: criteria provided, single submitter. Criteria: GeneDx Variant Classification (06012015). Collection method: clinical testing. Allele origin: germline. Affected: yes.
Comment: This variant is considered likely benign or benign based on one or more of the following criteria: it is a conservative change, it occurs at a poorly conserved position in the protein, it is predicted to be benign by multiple in silico algorithms, and/or has population frequency not consistent with disease.